The following is an entry in ClinVar:

NM_000038.6(APC):c.3807_3808del (p.Ile1269fs)

Gene: APC (APC regulator of Wnt signaling pathway; plus strand). Cytogenetic location: 5q22.2.
Variant type: Microsatellite.
Coding change: c.3807_3808del on transcript NM_000038.6 (MANE Select); coding-DNA positions 3807 to 3808, 2 bases deleted (AT; older notation c.3807_3808delAT).
Protein change: p.Ile1269fs; shifts the reading frame from isoleucine 1269.
Molecular consequence: frameshift variant.
Genome position (GRCh38, 1-based): chr5:112,839,401-112,839,402, AT deleted; deleting any 2 consecutive bases within chr5:112,839,399-112,839,402 gives the same sequence; the c. name uses the placement nearest the transcript's 3' end. VCF-style (leftmost placement, unchanged base first): chr5-112839398-AAT-A. GRCh37 (hg19) VCF-style: chr5-112175095-AAT-A.
Other names: c.3807_3808del (NM_000038.5); c.3807_3808del, p.Ile1269fs (NM_001127510.3, NM_001354895.2); c.3753_3754del, p.Ile1251fs (NM_001127511.3); c.3861_3862del, p.Ile1287fs (NM_001354896.2); c.3837_3838del, p.Ile1279fs (NM_001354897.2); c.3732_3733del, p.Ile1244fs (NM_001354898.2); c.3723_3724del, p.Ile1241fs (NM_001354899.2); c.3684_3685del, p.Ile1228fs (NM_001354900.2); and 7 more; short protein forms I1178fs, I1228fs, I1269fs, I1109fs, I1143fs, I1210fs, I1279fs, I1168fs.
Identifiers: ClinVar variation 187473 (VCV000187473.26), dbSNP rs786203760, ClinGen allele CA008682.

ClinVar aggregate classification (germline): Pathogenic. Review status: criteria provided, multiple submitters, no conflicts (2 of 4 stars). 7 submissions from 7 submitters: Pathogenic (6). 1 of the submissions does not count toward it. Last evaluated 2026-03-20.

Conditions:
APC-related disorder. Also called: APC-related condition.
Hereditary cancer-predisposing syndrome. Also called: Tumor predisposition; Neoplastic Syndromes, Hereditary; Hereditary neoplastic syndrome; Hereditary Cancer Syndrome. Identifiers: Orphanet 140162, MedGen C0027672, MeSH D009386, MONDO:0015356.
Familial multiple polyposis syndrome (FAP). Also called: Familial polyposis; Classic familial adenomatous polyposis; Familial adenomatous polyposis; Familial intestinal polyposis; Familial Adenomatous Polyposis (FAP). Identifiers: Orphanet 733, MedGen C0032580, MONDO:0021055. Disease mechanism: loss of function.
Familial adenomatous polyposis 1 (FAP1). Also called: FAMILIAL ADENOMATOUS POLYPOSIS 1, ATTENUATED; POLYPOSIS, ADENOMATOUS INTESTINAL. Identifiers: MedGen C2713442, MONDO:0021056, OMIM 175100. Disease mechanism: loss of function.

Submissions (7):

Women's Health and Genetics/Laboratory Corporation of America, LabCorp
Classification: Pathogenic for Familial multiple polyposis syndrome. Last evaluated: 2026-03-20. Review status: criteria provided, single submitter. Criteria: LabCorp Variant Classification Summary - May 2015. Collection method: clinical testing. Allele origin: germline.
Comment: Variant summary: APC c.3807_3808delAT (p.Ile1269MetfsX6) results in a premature termination codon in the last exon and is predicted to cause a truncation of the encoded protein, however, nonsense mediated decay is not expected to occur. The variant was absent in 250524 control chromosomes. c.3807_3808delAT has been observed in individuals affected with Familial Adenomatous Polyposis and/or Colorectal Cancer (e.g. Plawski_2008, Marabelli_2016, Zhang_2017, Yang_2025). These data indicate that the variant is likely to be associated with disease. To our knowledge, no experimental evidence demonstrating an impact on protein function has been reported. The following publications have been ascertained in the context of this evaluation (PMID: 27705013, 19029688, 40089605, 28445943). ClinVar contains an entry for this variant (Variation ID: 187473). Based on the evidence outlined above, the variant was classified as pathogenic.

Ambry Genetics
Classification: Pathogenic for Hereditary cancer-predisposing syndrome. Last evaluated: 2024-05-01. Review status: criteria provided, single submitter. Criteria: Ambry Variant Classification Scheme 2023. Collection method: clinical testing. Allele origin: germline.
Comment: The c.3807_3808delAT pathogenic mutation, located in coding exon 15 of the APC gene, results from a deletion of two nucleotides at nucleotide positions 3807 to 3808, causing a translational frameshift with a predicted alternate stop codon (p.I1269Mfs*6). This variant has been observed in individuals with a personal and/or family history that is consistent with Familial Adenomatous Polyposis syndrome (FAP) (Plawski A et al. J Appl Genet, 2008;49:407-14; Zhang J et al. Oncotarget, 2017 Apr;8:24533-24547). This variant is considered to be rare based on population cohorts in the Genome Aggregation Database (gnomAD). In addition to the clinical data presented in the literature, this alteration is expected to result in loss of function by premature protein truncation or nonsense-mediated mRNA decay. As such, this alteration is interpreted as a disease-causing mutation.

Blueprint Genetics
Classification: Pathogenic for APC-related disorders. Last evaluated: 2023-06-18. Review status: criteria provided, single submitter. Criteria: ACMG Guidelines, 2015. Collection method: clinical testing. Allele origin: germline. Affected: yes. Observed: 1 variant allele.

Myriad Genetics, Inc.
Classification: Pathogenic for Familial adenomatous polyposis 1. Last evaluated: 2023-05-09. Review status: criteria provided, single submitter. Criteria: Myriad Autosomal Dominant, Autosomal Recessive and X-Linked Classification Criteria (2023). Collection method: clinical testing. Allele origin: unknown.
Comment: This variant is considered pathogenic. This variant creates a frameshift predicted to result in premature protein truncation.

Labcorp Genetics (formerly Invitae), Labcorp
Classification: Pathogenic for Familial adenomatous polyposis 1. Last evaluated: 2022-02-01. Review status: criteria provided, single submitter. Criteria: Invitae Variant Classification Sherloc (09022015). Collection method: clinical testing. Allele origin: germline.
Comment: For these reasons, this variant has been classified as Pathogenic. A different truncation (p.Tyr2645Lysfs*14) that lies downstream of this variant has been determined to be pathogenic (PMID: 9824584, 1316610, 27081525, 8381579, 22135120, Invitae). This suggests that deletion of this region of the APC protein is causative of disease. This variant is expected to disrupt the EB1 and HDLG binding sites, which mediate interactions with the cytoskeleton (PMID: 15311282, 17293347). While functional studies have not been performed to directly test the effect on APC protein function, this suggests that disruption of the C-terminal portion of the protein is functionally important. ClinVar contains an entry for this variant (Variation ID: 187473). This premature translational stop signal has been observed in individual(s) with familial adenomatous polyposis (PMID: 19029688). This variant is not present in population databases (gnomAD no frequency). This sequence change creates a premature translational stop signal (p.Ile1269Metfs*6) in the APC gene. While this is not anticipated to result in nonsense mediated decay, it is expected to disrupt the last 1575 amino acid(s) of the APC protein.

GeneDx
Classification: Pathogenic. Last evaluated: 2017-04-14. Review status: criteria provided, single submitter. Criteria: GeneDx Variant Classification (06012015). Collection method: clinical testing. Allele origin: germline. Affected: yes.
Comment: This deletion of two nucleotides in APC is denoted c.3807_3808delAT at the cDNA level and p.Ile1269MetfsX6 (I1269MfsX6) at the protein level. The normal sequence, with the bases that are deleted in brackets, is CAAT[delAT]GTTT. The deletion causes a frameshift which changes an Isoleucine to a Methionine at codon 1269, and creates a premature stop codon at position 6 of the new reading frame. This variant is predicted to cause loss of normal protein function through protein truncation. APC Ile1269MetfsX6 has been observed in at least one individual with Familial Adenomatous Polyposis (Plawski 2008). We consider this variant to be pathogenic.

Mayo Clinic Laboratories, Mayo Clinic
Classification: Pathogenic. Review status: no assertion criteria provided. Collection method: research. Allele origin: unknown. Observed: 1 variant allele. Not counted in ClinVar's aggregate classification.

Literature cited by the submitters: PubMed 19029688 (cited by 3 submitters); PubMed 27705013 (cited by Women's Health and Genetics/Laboratory Corporation of America, LabCorp and Ambry Genetics); PubMed 28445943 (cited by Women's Health and Genetics/Laboratory Corporation of America, LabCorp and Ambry Genetics); PubMed 40089605 (cited by Women's Health and Genetics/Laboratory Corporation of America, LabCorp); PubMed 9824584 (cited by Labcorp Genetics (formerly Invitae), Labcorp); PubMed 1316610 (cited by Labcorp Genetics (formerly Invitae), Labcorp); PubMed 27081525 (cited by Labcorp Genetics (formerly Invitae), Labcorp); PubMed 8381579 (cited by Labcorp Genetics (formerly Invitae), Labcorp); PubMed 22135120 (cited by Labcorp Genetics (formerly Invitae), Labcorp); PubMed 15311282 (cited by Labcorp Genetics (formerly Invitae), Labcorp); PubMed 17293347 (cited by Labcorp Genetics (formerly Invitae), Labcorp).